The following is an entry in ClinVar:

ClinVar aggregate classification (germline): Uncertain significance. Review status: criteria provided, single submitter (1 of 4 stars). 2 submissions from 2 submitters: Uncertain significance (1). 1 of the submissions does not count toward it. Last evaluated 2019-10-28.

Conditions:
PDE11A-related disorder. Also called: PDE11A-related condition.

Allele frequency attached by ClinVar (database versions not stated): gnomAD exomes 0.00009 and 0.00020; ExAC 0.00025; 1000 Genomes Project 0.00040; 1000 Genomes Project 30x 0.00047; gnomAD 0.00081 and 0.00086; TOPMed 0.00105; ESP Exome Variant Server 0.00131.
gnomAD v4.1: 251 of 1,613,198 alleles (0.016%); highest among the groups gnomAD compares: African/African-American, 0.31%; no homozygotes.

Submissions (2):

GeneDx
Classification: Uncertain significance. Last evaluated: 2019-10-28. Review status: criteria provided, single submitter. Criteria: GeneDx Variant Classification Process June 2021. Collection method: clinical testing. Allele origin: germline. Affected: yes.
Comment: In silico analysis, which includes protein predictors and evolutionary conservation, supports that this variant does not alter protein structure/function; Has not been previously published as pathogenic or benign to our knowledge

PreventionGenetics, part of Exact Sciences
Classification: Likely benign for PDE11A-related condition. Last evaluated: 2020-01-24. Review status: no assertion criteria provided. Collection method: clinical testing. Allele origin: germline. Not counted in ClinVar's aggregate classification.
Comment: This variant is classified as likely benign based on ACMG/AMP sequence variant interpretation guidelines (Richards et al. 2015 PMID: 25741868, with internal and published modifications).

NM_016953.4(PDE11A):c.2653G>A (p.Val885Met)

Gene: PDE11A (phosphodiesterase 11A; minus strand). Cytogenetic location: 2q31.2.
Variant type: single nucleotide variant.
Coding change: c.2653G>A on transcript NM_016953.4 (MANE Select); coding-DNA position 2653, G replaced by A.
Protein change: p.Val885Met; replaces valine 885 with methionine.
Molecular consequence: missense variant.
Genome position (GRCh38, 1-based): chr2:177,629,556, C>T on the plus strand (G>A on the coding strand, the complement: PDE11A is on the minus strand). VCF-style: chr2-177629556-C-T. GRCh37 (hg19) VCF-style: chr2-178494284-C-T.
Other names: c.1321G>A, p.Val441Met (NM_001077196.2); c.1903G>A, p.Val635Met (NM_001077197.2); c.1579G>A, p.Val527Met (NM_001077358.2); short protein forms V441M, V527M, V635M, V885M.
Identifiers: ClinVar variation 1309086 (VCV001309086.4), dbSNP rs138134819, ClinGen allele CA1981420.